The following is an entry in ClinVar:

NM_014956.5(CEP164):c.829G>T (p.Gly277Cys)

Gene: CEP164 (centrosomal protein 164; plus strand). Cytogenetic location: 11q23.3.
Variant type: single nucleotide variant.
Coding change: c.829G>T on transcript NM_014956.5 (MANE Select); coding-DNA position 829, G replaced by T.
Protein change: p.Gly277Cys; replaces glycine 277 with cysteine.
Molecular consequence: missense variant.
Genome position (GRCh38, 1-based): chr11:117,371,143, G>T. VCF-style: chr11-117371143-G-T. GRCh37 (hg19) VCF-style: chr11-117241859-G-T.
Other names: c.829G>T, p.Gly277Cys (NM_001271933.2); short protein forms G277C.
Identifiers: ClinVar variation 1010384 (VCV001010384.6), dbSNP rs772164945, ClinGen allele CA6294602.

ClinVar aggregate classification (germline): Uncertain significance (1 of 4 stars; one submission).

Conditions:
Nephronophthisis 15 (NPHP15). Identifiers: Orphanet 3156, MedGen C3541853, MONDO:0013917, OMIM 614845.

Allele frequency attached by ClinVar (database versions not stated): TOPMed 0.00001.
gnomAD v4.1: 7 of 1,612,728 alleles (0.00043%); no homozygotes.

Submission:

Labcorp Genetics (formerly Invitae), Labcorp
Classification: Uncertain significance for Nephronophthisis 15. Last evaluated: 2021-09-02. Review status: criteria provided, single submitter. Criteria: Invitae Variant Classification Sherloc (09022015). Collection method: clinical testing. Allele origin: germline.
Comment: This sequence change replaces glycine with cysteine at codon 277 of the CEP164 protein (p.Gly277Cys). The glycine residue is weakly conserved and there is a large physicochemical difference between glycine and cysteine. This variant is present in population databases (rs772164945, ExAC 0.005%). This variant has not been reported in the literature in individuals affected with CEP164-related conditions. Algorithms developed to predict the effect of missense changes on protein structure and function output the following: SIFT: "Tolerated"; PolyPhen-2: "Benign"; Align-GVGD: "Class C0". The cysteine amino acid residue is found in multiple mammalian species, which suggests that this missense change does not adversely affect protein function. In summary, the available evidence is currently insufficient to determine the role of this variant in disease. Therefore, it has been classified as a Variant of Uncertain Significance.